The following is an entry in ClinVar:

ClinVar aggregate classification (germline): Likely benign. Review status: criteria provided, multiple submitters, no conflicts (2 of 4 stars). 2 submissions from 2 submitters: Likely benign (2). Last evaluated 2026-09-14.

Conditions:
BAG3-related disorder. Also called: BAG3-related condition.
Cardiovascular phenotype. Identifiers: MedGen CN230736.

Submissions (2):

PreventionGenetics, part of Exact Sciences
Classification: Likely benign for BAG3-related condition. Last evaluated: 2026-09-14. Review status: criteria provided, single submitter. Criteria: ACMG Guidelines, 2015. Collection method: clinical testing. Allele origin: germline.
Comment: This variant is classified as likely benign based on ACMG/AMP sequence variant interpretation guidelines (Richards et al. 2015 PMID: 25741868, with internal and published modifications).

Ambry Genetics
Classification: Likely benign for Cardiovascular phenotype. Last evaluated: 2022-01-19. Review status: criteria provided, single submitter. Criteria: Ambry Variant Classification Scheme 2023. Collection method: clinical testing. Allele origin: germline.

NM_004281.4(BAG3):c.519T>A (p.Ser173=)

Gene: BAG3 (BAG cochaperone 3; plus strand). Cytogenetic location: 10q26.11.
Variant type: single nucleotide variant.
Coding change: c.519T>A on transcript NM_004281.4 (MANE Select); coding-DNA position 519, T replaced by A.
Protein change: p.Ser173=; no amino-acid change (serine 173 retained).
Molecular consequence: synonymous variant.
Genome position (GRCh38, 1-based): chr10:119,672,266, T>A. VCF-style: chr10-119672266-T-A. GRCh37 (hg19) VCF-style: chr10-121431778-T-A.
Identifiers: ClinVar variation 1745997 (VCV001745997.3), dbSNP rs2494013358, ClinGen allele CA471739149.